The following is an entry in ClinVar:

ClinVar aggregate classification (germline): Likely pathogenic (1 of 4 stars; one submission).

Conditions:
Deficiency of hydroxymethylglutaryl-CoA lyase (HMGCLD). Also called: HMGCL DEFICIENCY; HYDROXYMETHYLGLUTARIC ACIDURIA; HMG-CoA LYASE DEFICIENCY; Defect in leucine metabolism; 3-hydroxy-3-methylglutaric aciduria. Identifiers: Orphanet 20, MedGen C1533587, MONDO:0009520, OMIM 246450.

Submission:

Labcorp Genetics (formerly Invitae), Labcorp
Classification: Likely pathogenic for Deficiency of hydroxymethylglutaryl-CoA lyase. Last evaluated: 2021-04-06. Review status: criteria provided, single submitter. Criteria: Invitae Variant Classification Sherloc (09022015). Collection method: clinical testing. Allele origin: germline.
Comment: In summary, the currently available evidence indicates that the variant is pathogenic, but additional data are needed to prove that conclusively. Therefore, this variant has been classified as Likely Pathogenic. Algorithms developed to predict the effect of sequence changes on RNA splicing suggest that this variant may disrupt the consensus splice site, but this prediction has not been confirmed by published transcriptional studies. This variant has not been reported in the literature in individuals with HMGCL-related conditions. This variant is not present in population databases (ExAC no frequency). This sequence change affects a donor splice site in intron 2 of the HMGCL gene. It is expected to disrupt RNA splicing. Variants that disrupt the donor or acceptor splice site typically lead to a loss of protein function (PMID: 16199547), and loss-of-function variants in HMGCL are known to be pathogenic (PMID: 9817922, 17692550, 23465862).

Literature cited by the submitters: PubMed 16199547; PubMed 9817922; PubMed 17692550; PubMed 23465862.

NM_000191.3(HMGCL):c.144+2T>C

Gene: HMGCL (3-hydroxy-3-methylglutaryl-CoA lyase; minus strand). Cytogenetic location: 1p36.11.
Variant type: single nucleotide variant.
Coding change: c.144+2T>C on transcript NM_000191.3 (MANE Select); the canonical splice donor site of the intron after coding-DNA position 144, T replaced by C.
Molecular consequence: splice donor variant.
Genome position (GRCh38, 1-based): chr1:23,820,508, A>G on the plus strand (T>C on the coding strand, the complement: HMGCL is on the minus strand). VCF-style: chr1-23820508-A-G. GRCh37 (hg19) VCF-style: chr1-24146998-A-G.
Other names: c.144+2T>C (NM_001166059.2).
Identifiers: ClinVar variation 1483392 (VCV001483392.9), dbSNP rs1001955490, ClinGen allele CA19300788.